The following is an entry in ClinVar:

NM_004370.6(COL12A1):c.3733G>C (p.Gly1245Arg)

Gene: COL12A1 (collagen type XII alpha 1 chain; minus strand). Cytogenetic location: 6q13.
Variant type: single nucleotide variant.
Coding change: c.3733G>C on transcript NM_004370.6 (MANE Select); coding-DNA position 3733, G replaced by C.
Protein change: p.Gly1245Arg; replaces glycine 1245 with arginine.
Molecular consequence: missense variant.
Genome position (GRCh38, 1-based): chr6:75,152,233, C>G on the plus strand (G>C on the coding strand, the complement: COL12A1 is on the minus strand). VCF-style: chr6-75152233-C-G. GRCh37 (hg19) VCF-style: chr6-75861949-C-G.
Other names: c.3733G>C, p.Gly1245Arg (NM_001424113.1, NM_001424114.1); c.3460G>C, p.Gly1154Arg (NM_001424115.1); c.241G>C, p.Gly81Arg (NM_001424116.1, NM_080645.3); short protein forms G1245R, G81R, G1154R.
Identifiers: ClinVar variation 2943269 (VCV002943269.3), dbSNP rs1767530168, ClinGen allele CA364749643.

ClinVar aggregate classification (germline): Uncertain significance (1 of 4 stars; one submission).

Conditions:
Ullrich congenital muscular dystrophy 2 (UCMD2). Identifiers: Orphanet 75840, MedGen C4225314, MONDO:0014654, OMIM 616470.
Bethlem myopathy 2 (BTHLM2). Identifiers: Orphanet 536516, Orphanet 610, MedGen C4225313, MONDO:0034022, OMIM 616471.

Submission:

Labcorp Genetics (formerly Invitae), Labcorp
Classification: Uncertain significance for Bethlem myopathy 2; Ullrich congenital muscular dystrophy 2. Last evaluated: 2024-02-10. Review status: criteria provided, single submitter. Criteria: Invitae Variant Classification Sherloc (09022015). Collection method: clinical testing. Allele origin: germline.
Comment: This sequence change replaces glycine, which is neutral and non-polar, with arginine, which is basic and polar, at codon 1245 of the COL12A1 protein (p.Gly1245Arg). This variant is not present in population databases (gnomAD no frequency). This variant has not been reported in the literature in individuals affected with COL12A1-related conditions. Advanced modeling of protein sequence and biophysical properties (such as structural, functional, and spatial information, amino acid conservation, physicochemical variation, residue mobility, and thermodynamic stability) has been performed at Invitae for this missense variant, however the output from this modeling did not meet the statistical confidence thresholds required to predict the impact of this variant on COL12A1 protein function. In summary, the available evidence is currently insufficient to determine the role of this variant in disease. Therefore, it has been classified as a Variant of Uncertain Significance.